The following is an entry in ClinVar:

NM_015488.5(PNKD):c.754G>T (p.Gly252Trp)

Genes: CATIP-AS2 (CATIP antisense RNA 2; minus strand), PNKD (PNKD metallo-beta-lactamase domain containing; plus strand). Cytogenetic location: 2q35.
Variant type: single nucleotide variant.
Coding change: c.754G>T on transcript NM_015488.5 (MANE Select); coding-DNA position 754, G replaced by T.
Protein change: p.Gly252Trp; replaces glycine 252 with tryptophan.
Molecular consequence: missense variant.
Genome position (GRCh38, 1-based): chr2:218,342,117, G>T. VCF-style: chr2-218342117-G-T. GRCh37 (hg19) VCF-style: chr2-219206840-G-T.
Other names: c.682G>T, p.Gly228Trp (NM_022572.5); short protein forms G228W, G252W.
Identifiers: ClinVar variation 1448828 (VCV001448828.8), dbSNP rs1166017790, ClinGen allele CA350541405.

ClinVar aggregate classification (germline): Uncertain significance (1 of 4 stars; one submission).

Conditions:
Paroxysmal nonkinesigenic dyskinesia. Also called: Paroxysmal non-kinesigenic dyskinesia. Identifiers: Orphanet 98810, MedGen C1869117, MONDO:0700088.

Allele frequency attached by ClinVar (database versions not stated): gnomAD 0.00001; gnomAD exomes 0.00001; TOPMed 0.00002.
gnomAD v4.1: 17 of 1,613,610 alleles (0.0011%); highest among the groups gnomAD compares: Non-Finnish European, 0.0014%; no homozygotes.

Submission:

Labcorp Genetics (formerly Invitae), Labcorp
Classification: Uncertain significance for Paroxysmal nonkinesigenic dyskinesia. Last evaluated: 2023-12-21. Review status: criteria provided, single submitter. Criteria: Invitae Variant Classification Sherloc (09022015). Collection method: clinical testing. Allele origin: germline.
Comment: This sequence change replaces glycine, which is neutral and non-polar, with tryptophan, which is neutral and slightly polar, at codon 252 of the PNKD protein (p.Gly252Trp). This variant is present in population databases (no rsID available, gnomAD 0.002%). This variant has not been reported in the literature in individuals affected with PNKD-related conditions. ClinVar contains an entry for this variant (Variation ID: 1448828). Advanced modeling of protein sequence and biophysical properties (such as structural, functional, and spatial information, amino acid conservation, physicochemical variation, residue mobility, and thermodynamic stability) performed at Invitae indicates that this missense variant is expected to disrupt PNKD protein function with a positive predictive value of 80%. In summary, the available evidence is currently insufficient to determine the role of this variant in disease. Therefore, it has been classified as a Variant of Uncertain Significance.